The following is an entry in ClinVar:

ClinVar aggregate classification (germline): Uncertain significance (1 of 4 stars; one submission).

Conditions:
Deafness-lymphedema-leukemia syndrome. Also called: Lymphedema, primary, with myelodysplasia; Emberger syndrome. Identifiers: Orphanet 3226, MedGen C3279664, MONDO:0013540, OMIM 614038.
Monocytopenia with susceptibility to infections. Also called: COMBINED IMMUNODEFICIENCY WITH SUSCEPTIBILITY TO MYCOBACTERIAL, VIRAL, AND FUNGAL INFECTIONS; MONOCYTOPENIA AND MYCOBACTERIAL INFECTION SYNDROME; MONOCYTOPENIA WITH SUSCEPTIBILITY TO MYCOBACTERIAL, FUNGAL, AND PAPILLOMAVIRUS INFECTIONS AND MYELODYSPLASIA; Dendritic cell, monocyte, B lymphocyte, and natural killer lymphocyte deficiency; GATA2 DEFICIENCY; IMMUNODEFICIENCY 21. Identifiers: Orphanet 228423, MedGen C3280030, MONDO:0013607, OMIM 614172.

Submission:

Labcorp Genetics (formerly Invitae), Labcorp
Classification: Uncertain significance for Monocytopenia with susceptibility to infections; Deafness-lymphedema-leukemia syndrome. Last evaluated: 2022-03-16. Review status: criteria provided, single submitter. Criteria: Invitae Variant Classification Sherloc (09022015). Collection method: clinical testing. Allele origin: germline.
Comment: This sequence change replaces glutamic acid, which is acidic and polar, with aspartic acid, which is acidic and polar, at codon 423 of the GATA2 protein (p.Glu423Asp). This variant is not present in population databases (gnomAD no frequency). In summary, the available evidence is currently insufficient to determine the role of this variant in disease. Therefore, it has been classified as a Variant of Uncertain Significance. Algorithms developed to predict the effect of missense changes on protein structure and function output the following: SIFT: "Tolerated"; PolyPhen-2: "Benign"; Align-GVGD: "Class C0". The aspartic acid amino acid residue is found in multiple mammalian species, which suggests that this missense change does not adversely affect protein function. This variant has not been reported in the literature in individuals affected with GATA2-related conditions.

NM_032638.5(GATA2):c.1269G>C (p.Glu423Asp)

Gene: GATA2 (GATA binding protein 2; minus strand). Cytogenetic location: 3q21.3.
Variant type: single nucleotide variant.
Coding change: c.1269G>C on transcript NM_032638.5 (MANE Select); coding-DNA position 1269, G replaced by C.
Protein change: p.Glu423Asp; replaces glutamic acid 423 with aspartic acid.
Molecular consequence: missense variant.
Genome position (GRCh38, 1-based): chr3:128,481,193, C>G on the plus strand (G>C on the coding strand, the complement: GATA2 is on the minus strand). VCF-style: chr3-128481193-C-G. GRCh37 (hg19) VCF-style: chr3-128200036-C-G.
Other names: c.1269G>C, p.Glu423Asp (NM_001145661.2); c.1227G>C, p.Glu409Asp (NM_001145662.1); short protein forms E423D, E409D.
Identifiers: ClinVar variation 1921084 (VCV001921084.5), dbSNP rs2068623477, ClinGen allele CA354412913.